The following is an entry in ClinVar:

NM_004706.4(ARHGEF1):c.2437C>A (p.Pro813Thr)

Gene: ARHGEF1 (Rho guanine nucleotide exchange factor 1; plus strand). Cytogenetic location: 19q13.2.
Variant type: single nucleotide variant.
Coding change: c.2437C>A on transcript NM_004706.4 (MANE Select); coding-DNA position 2437, C replaced by A.
Protein change: p.Pro813Thr; replaces proline 813 with threonine.
Molecular consequence: missense variant. On other transcripts: non-coding transcript variant (2).
Genome position (GRCh38, 1-based): chr19:41,905,971, C>A. VCF-style: chr19-41905971-C-A. GRCh37 (hg19) VCF-style: chr19-42410123-C-A.
Other names: c.2605C>A, p.Pro869Thr (NM_001396000.1); c.2338C>A, p.Pro780Thr (NM_001396002.1, NM_001396004.1, NM_198977.2); c.2437C>A, p.Pro813Thr (NM_001396003.1, NM_001396006.1); c.2482C>A, p.Pro828Thr (NM_199002.2); short protein forms P780T, P828T, P869T, P813T.
Identifiers: ClinVar variation 4749624 (VCV004749624.1).

ClinVar aggregate classification (germline): Uncertain significance (1 of 4 stars; one submission).

gnomAD v4.1: 2 of 1,614,138 alleles (0.00012%); highest among the groups gnomAD compares: South Asian, 0.0011%; no homozygotes.

Submission:

Labcorp Genetics (formerly Invitae), Labcorp
Classification: Uncertain significance. Last evaluated: 2025-09-28. Review status: criteria provided, single submitter. Criteria: Invitae Variant Classification Sherloc (09022015). Collection method: clinical testing. Allele origin: germline.
Comment: This sequence change replaces proline, which is neutral and non-polar, with threonine, which is neutral and polar, at codon 828 of the ARHGEF1 protein (p.Pro828Thr). This variant is not present in population databases (gnomAD no frequency). This variant has not been reported in the literature in individuals affected with ARHGEF1-related conditions. An algorithm developed to predict the effect of missense changes on protein structure and function outputs the following: PolyPhen-2: "Benign". The threonine amino acid residue is found in multiple mammalian species, which suggests that this missense change does not adversely affect protein function. In summary, the available evidence is currently insufficient to determine the role of this variant in disease. Therefore, it has been classified as a Variant of Uncertain Significance.